The following is an entry in ClinVar:

NM_015231.3(NUP160):c.4148_4149del (p.Glu1383fs)

Gene: NUP160 (nucleoporin 160; minus strand). Cytogenetic location: 11p11.2.
Variant type: Deletion.
Coding change: c.4148_4149del on transcript NM_015231.3 (MANE Select); coding-DNA positions 4148 to 4149, 2 bases deleted (AG; older notation c.4148_4149delAG).
Protein change: p.Glu1383fs; shifts the reading frame from glutamic acid 1383.
Molecular consequence: frameshift variant. On other transcripts: non-coding transcript variant (1).
Genome position (GRCh38, 1-based): chr11:47,779,165-47,779,166, CT deleted on the plus strand (AG on the coding strand, the reverse complement: NUP160 is on the minus strand); deleting any 2 consecutive bases within chr11:47,779,165-47,779,167 gives the same sequence; the c. name uses the placement nearest the transcript's 3' end. VCF-style (leftmost placement, unchanged base first): chr11-47779164-CCT-C. GRCh37 (hg19) VCF-style: chr11-47800716-CCT-C.
Other names: short protein forms E1417fs, E1383fs.
Identifiers: ClinVar variation 1077025 (VCV001077025.2), dbSNP rs2135334498, ClinGen allele CA2499221057.

ClinVar aggregate classification (germline): Pathogenic (1 of 4 stars; one submission).

Conditions:
Nephrotic syndrome, type 19. Identifiers: MedGen C4748552, MONDO:0032582, OMIM 618178.

Submission:

Precision Medicine Center, Zhengzhou University
Classification: Pathogenic for Nephrotic syndrome, type 19. Review status: criteria provided, single submitter. Criteria: ACMG Guidelines, 2015. Collection method: research. Allele origin: germline. Affected: yes.
Comment: PVS1:Null variant in the gene with established LOF as a disease mechanism PM2:not found in gnomAD PP3:Multiple lines of computational evidence support a deleterious effect on the gene or gene product